The following is an entry in ClinVar:

ClinVar aggregate classification (germline): Uncertain significance (1 of 4 stars; one submission).

Conditions:
Cardiovascular phenotype. Identifiers: MedGen CN230736.

Submission:

Ambry Genetics
Classification: Uncertain significance for Cardiovascular phenotype. Last evaluated: 2026-03-04. Review status: criteria provided, single submitter. Criteria: Ambry Variant Classification Scheme 2023. Collection method: clinical testing. Allele origin: germline.
Comment: The c.643-5T>G intronic variant results from a T to G substitution 5 nucleotides upstream from coding exon 7 in the CACNB2 gene. This nucleotide position is well conserved in available vertebrate species. In silico splice site analysis for this alteration is inconclusive. The evidence for this gene-disease relationship is limited; therefore, the clinical significance of this variant is unclear.

NM_201596.3(CACNB2):c.805-5T>G

Gene: CACNB2 (calcium voltage-gated channel auxiliary subunit beta 2; plus strand). Cytogenetic location: 10p12.31.
Variant type: single nucleotide variant.
Coding change: c.805-5T>G on transcript NM_201596.3 (MANE Select); 5 bases into the intron before coding-DNA position 805, T replaced by G.
Molecular consequence: intron variant.
Genome position (GRCh38, 1-based): chr10:18,518,331, T>G. VCF-style: chr10-18518331-T-G. GRCh37 (hg19) VCF-style: chr10-18807260-T-G.
Other names: c.721-5T>G (NM_201571.4); c.607-5T>G (NM_001167945.2); c.649-5T>G (NM_201572.4); c.691-5T>G (NM_201593.3); c.733-5T>G (NM_201597.3); c.640-5T>G (NM_000724.4); c.526-5T>G (NM_001330060.2); c.643-5T>G (NM_201590.3); and 2 more.
Identifiers: ClinVar variation 4844198 (VCV004844198.1).